The following is an entry in ClinVar:

ClinVar aggregate classification (germline): Likely pathogenic (1 of 4 stars; one submission).

gnomAD v4.1: 2 of 1,613,202 alleles (0.00012%); highest among the groups gnomAD compares: Admixed American, 0.0017%; no homozygotes.

Submission:

Dasa
Classification: Likely pathogenic. Last evaluated: 2024-05-28. Review status: criteria provided, single submitter. Criteria: DASA Assertion Criteria. Collection method: clinical testing. Allele origin: germline.
Comment: NM_003119.4(SPG7):c.585C>A (p.Tyr195*) is a nonsense variant in SPG7 predicted to introduce a premature termination codon and is predicted to result in an absent or altered protein product. Loss of function is an established disease mechanism for SPG7-associated disorders. Also, this variant is rare in population databases. Based on the currently available evidence, this variant is classified as likely pathogenic.

NM_003119.4(SPG7):c.585C>A (p.Tyr195Ter)

Gene: SPG7 (SPG7 matrix AAA peptidase subunit, paraplegin; plus strand). Cytogenetic location: 16q24.3.
Variant type: single nucleotide variant.
Coding change: c.585C>A on transcript NM_003119.4 (MANE Select); coding-DNA position 585, C replaced by A.
Protein change: p.Tyr195Ter; replaces tyrosine 195 with a stop codon.
Molecular consequence: nonsense.
Genome position (GRCh38, 1-based): chr16:89,524,214, C>A. VCF-style: chr16-89524214-C-A. GRCh37 (hg19) VCF-style: chr16-89590622-C-A.
Other names: c.585C>A, p.Tyr195Ter (NM_001363850.1, NM_199367.3); short protein forms Y195*.
Identifiers: ClinVar variation 4856967 (VCV004856967.2).